The following is an entry in ClinVar:

ClinVar aggregate classification (germline): Uncertain significance. Review status: criteria provided, multiple submitters, no conflicts (2 of 4 stars). 2 submissions from 2 submitters: Uncertain significance (2). Last evaluated 2024-09-19.

Conditions:
Hereditary cancer-predisposing syndrome. Also called: Hereditary Cancer Syndrome; Tumor predisposition; Hereditary neoplastic syndrome; Neoplastic Syndromes, Hereditary. Identifiers: Orphanet 140162, MedGen C0027672, MeSH D009386, MONDO:0015356.

Submissions (2):

Ambry Genetics
Classification: Uncertain significance for Hereditary cancer-predisposing syndrome. Last evaluated: 2024-09-19. Review status: criteria provided, single submitter. Criteria: Ambry Variant Classification Scheme 2023. Collection method: clinical testing. Allele origin: germline.
Comment: The p.I461T variant (also known as c.1382T>C), located in coding exon 9 of the MSH3 gene, results from a T to C substitution at nucleotide position 1382. The isoleucine at codon 461 is replaced by threonine, an amino acid with similar properties. This amino acid position is conserved. In addition, this alteration is predicted to be tolerated by in silico analysis. Since supporting evidence is limited at this time, the clinical significance of this alteration remains unclear.

Labcorp Genetics (formerly Invitae), Labcorp
Classification: Uncertain significance. Last evaluated: 2022-11-08. Review status: criteria provided, single submitter. Criteria: Invitae Variant Classification Sherloc (09022015). Collection method: clinical testing. Allele origin: germline.
Comment: In summary, the available evidence is currently insufficient to determine the role of this variant in disease. Therefore, it has been classified as a Variant of Uncertain Significance. Algorithms developed to predict the effect of missense changes on protein structure and function output the following: SIFT: "Tolerated"; PolyPhen-2: "Benign"; Align-GVGD: "Class C0". The threonine amino acid residue is found in multiple mammalian species, which suggests that this missense change does not adversely affect protein function. ClinVar contains an entry for this variant (Variation ID: 1047174). This variant has not been reported in the literature in individuals affected with MSH3-related conditions. This variant is not present in population databases (gnomAD no frequency). This sequence change replaces isoleucine, which is neutral and non-polar, with threonine, which is neutral and polar, at codon 461 of the MSH3 protein (p.Ile461Thr).

NM_002439.5(MSH3):c.1382T>C (p.Ile461Thr)

Gene: MSH3 (mutS homolog 3; plus strand). Cytogenetic location: 5q14.1.
Variant type: single nucleotide variant.
Coding change: c.1382T>C on transcript NM_002439.5 (MANE Select); coding-DNA position 1382, T replaced by C.
Protein change: p.Ile461Thr; replaces isoleucine 461 with threonine.
Molecular consequence: missense variant.
Genome position (GRCh38, 1-based): chr5:80,725,494, T>C. VCF-style: chr5-80725494-T-C. GRCh37 (hg19) VCF-style: chr5-80021313-T-C.
Other names: short protein forms I461T.
Identifiers: ClinVar variation 1047174 (VCV001047174.12), dbSNP rs1743270160, ClinGen allele CA360273445.